The following is an entry in ClinVar:

ClinVar aggregate classification (germline): Pathogenic (1 of 4 stars; one submission).

Submission:

Labcorp Genetics (formerly Invitae), Labcorp
Classification: Pathogenic. Last evaluated: 2020-07-15. Review status: criteria provided, single submitter. Criteria: Invitae Variant Classification Sherloc (09022015). Collection method: clinical testing. Allele origin: germline.
Comment: This variant has not been reported in the literature in individuals with LAMA1-related disease. For these reasons, this variant has been classified as Pathogenic. Loss-of-function variants in LAMA1 are known to be pathogenic (PMID: 25105227, 26932191). This variant is not present in population databases (ExAC no frequency). This sequence change creates a premature translational stop signal (p.Gln658*) in the LAMA1 gene. It is expected to result in an absent or disrupted protein product.

Literature cited by the submitters: PubMed 25105227; PubMed 26932191.

NM_005559.4(LAMA1):c.1972C>T (p.Gln658Ter)

Gene: LAMA1 (laminin subunit alpha 1; minus strand). Cytogenetic location: 18p11.31.
Variant type: single nucleotide variant.
Coding change: c.1972C>T on transcript NM_005559.4 (MANE Select); coding-DNA position 1972, C replaced by T.
Protein change: p.Gln658Ter; replaces glutamine 658 with a stop codon.
Molecular consequence: nonsense.
Genome position (GRCh38, 1-based): chr18:7,034,558, G>A on the plus strand (C>T on the coding strand, the complement: LAMA1 is on the minus strand). VCF-style: chr18-7034558-G-A. GRCh37 (hg19) VCF-style: chr18-7034557-G-A.
Other names: short protein forms Q658*.
Identifiers: ClinVar variation 1075086 (VCV001075086.7), dbSNP rs2144167132, ClinGen allele CA401830297.
Genomic context (GRCh38, chr18:7,034,558, plus strand): 5'-CAGAATTGTAGTTGGCTCTGATCAAAAGATGTGTCACATTGGCAAGGACAGTCATCAGCT[G>A]GTCACGATCAATCTGCCTTTTGCTGTGAAAATCTTGGAAGTTTTCAGGCACAAGTCTAAC-3'